The following is an entry in ClinVar:

ClinVar aggregate classification (germline): Likely benign. Review status: criteria provided, multiple submitters, no conflicts (2 of 4 stars). 3 submissions from 3 submitters: Likely benign (2). 1 of the submissions does not count toward it. Last evaluated 2025-06-30.

Conditions:
PKD1L1-related disorder. Also called: PKD1L1-related condition.

Allele frequency attached by ClinVar (database versions not stated): gnomAD exomes 0.00009; ExAC 0.00016; 1000 Genomes Project 0.00020; TOPMed 0.00022; gnomAD 0.00025; 1000 Genomes Project 30x 0.00047.
gnomAD v4.1: 161 of 1,613,518 alleles (0.01%); highest among the groups gnomAD compares: South Asian, 0.11%; no homozygotes.

Submissions (3):

Labcorp Genetics (formerly Invitae), Labcorp
Classification: Likely benign. Last evaluated: 2025-06-30. Review status: criteria provided, single submitter. Criteria: Invitae Variant Classification Sherloc (09022015). Collection method: clinical testing. Allele origin: germline.

CeGaT Center for Human Genetics Tuebingen
Classification: Likely benign. Last evaluated: 2022-09-01. Review status: criteria provided, single submitter. Criteria: CeGaT Center For Human Genetics Tuebingen Variant Classification Criteria Version 2. Collection method: clinical testing. Allele origin: germline. Affected: yes. Observed: 1 variant allele.
Comment: PKD1L1: BP4, BP7

PreventionGenetics, part of Exact Sciences
Classification: Likely benign for PKD1L1-related condition. Last evaluated: 2023-07-10. Review status: no assertion criteria provided. Collection method: clinical testing. Allele origin: germline. Not counted in ClinVar's aggregate classification.
Comment: This variant is classified as likely benign based on ACMG/AMP sequence variant interpretation guidelines (Richards et al. 2015 PMID: 25741868, with internal and published modifications).

NM_138295.5(PKD1L1):c.5169G>A (p.Ala1723=)

Gene: PKD1L1 (polycystin 1 like 1, transient receptor potential channel interacting; minus strand). Cytogenetic location: 7p12.3.
Variant type: single nucleotide variant.
Coding change: c.5169G>A on transcript NM_138295.5 (MANE Select); coding-DNA position 5169, G replaced by A.
Protein change: p.Ala1723=; no amino-acid change (alanine 1723 retained).
Molecular consequence: synonymous variant.
Genome position (GRCh38, 1-based): chr7:47,845,063, C>T on the plus strand (G>A on the coding strand, the complement: PKD1L1 is on the minus strand). VCF-style: chr7-47845063-C-T. GRCh37 (hg19) VCF-style: chr7-47884661-C-T.
Other names: c.5169G>A (NM_138295.3).
Identifiers: ClinVar variation 2657459 (VCV002657459.26), dbSNP rs201801012, ClinGen allele CA4252911.